The following is an entry in ClinVar:

ClinVar aggregate classification (germline): Likely benign (1 of 4 stars; one submission).

Conditions:
Papillary renal cell carcinoma type 1 (RCCP1). Also called: RENAL CELL CARCINOMA, PAPILLARY, 1, SOMATIC; Renal adenocarcinoma; Renal cell carcinoma 1; Renal cell carcinoma, somatic. Identifiers: Orphanet 47044, MedGen C1336839, OMIM 605074, HP:0011797.

Submission:

Myriad Genetics, Inc.
Classification: Likely benign for Papillary renal cell carcinoma type 1. Last evaluated: 2024-11-07. Review status: criteria provided, single submitter. Criteria: Myriad Autosomal Dominant, Autosomal Recessive and X-Linked Classification Criteria (2023). Collection method: clinical testing. Allele origin: unknown.
Comment: This variant is considered likely benign. This variant is intronic and is not expected to impact mRNA splicing.

NM_000245.4(MET):c.1392+8C>T

Gene: MET (MET proto-oncogene, receptor tyrosine kinase; plus strand). Cytogenetic location: 7q31.2.
Variant type: single nucleotide variant.
Coding change: c.1392+8C>T on transcript NM_000245.4 (MANE Select); 8 bases into the intron after coding-DNA position 1392, C replaced by T.
Molecular consequence: intron variant.
Genome position (GRCh38, 1-based): chr7:116,731,867, C>T. VCF-style: chr7-116731867-C-T. GRCh37 (hg19) VCF-style: chr7-116371921-C-T.
Other names: c.1392+8C>T (NM_001127500.3, NM_001324401.3); c.102+8C>T (NM_001324402.2).
Identifiers: ClinVar variation 3773502 (VCV003773502.1).